The following is an entry in ClinVar:

NM_032043.3(BRIP1):c.808G>A (p.Gly270Arg)

Gene: BRIP1 (BRCA1 interacting DNA helicase 1; minus strand). Cytogenetic location: 17q23.2.
Variant type: single nucleotide variant.
Coding change: c.808G>A on transcript NM_032043.3 (MANE Select); coding-DNA position 808, G replaced by A.
Protein change: p.Gly270Arg; replaces glycine 270 with arginine.
Molecular consequence: missense variant.
Genome position (GRCh38, 1-based): chr17:61,808,577, C>T on the plus strand (G>A on the coding strand, the complement: BRIP1 is on the minus strand). VCF-style: chr17-61808577-C-T. GRCh37 (hg19) VCF-style: chr17-59885938-C-T.
Other names: short protein forms G270R.
Identifiers: ClinVar variation 1044393 (VCV001044393.9), dbSNP rs1401241698, ClinGen allele CA400484873.

ClinVar aggregate classification (germline): Uncertain significance (1 of 4 stars; one submission).

Conditions:
Fanconi anemia complementation group J. Also called: BRIP1-Related Fanconi Anemia. Identifiers: Orphanet 84, MedGen C1836860, MONDO:0012187, OMIM 609054.
Familial cancer of breast. Also called: BREAST CANCER, FAMILIAL; Hereditary breast cancer; hereditary breast carcinoma. Identifiers: Orphanet 227535, MedGen C0346153, MONDO:0016419, OMIM 114480. Disease mechanism: loss of function.

Submission:

Labcorp Genetics (formerly Invitae), Labcorp
Classification: Uncertain significance for Familial cancer of breast; Fanconi anemia complementation group J. Last evaluated: 2020-09-24. Review status: criteria provided, single submitter. Criteria: Invitae Variant Classification Sherloc (09022015). Collection method: clinical testing. Allele origin: germline.
Comment: This variant is not present in population databases (ExAC no frequency). This sequence change replaces glycine with arginine at codon 270 of the BRIP1 protein (p.Gly270Arg). The glycine residue is moderately conserved and there is a moderate physicochemical difference between glycine and arginine. This variant has not been reported in the literature in individuals with BRIP1-related conditions. In summary, the available evidence is currently insufficient to determine the role of this variant in disease. Therefore, it has been classified as a Variant of Uncertain Significance. Algorithms developed to predict the effect of missense changes on protein structure and function output the following: SIFT: "Tolerated"; PolyPhen-2: "Benign"; Align-GVGD: "Class C0". The arginine amino acid residue is found in multiple mammalian species, suggesting that this missense change does not adversely affect protein function. These predictions have not been confirmed by published functional studies and their clinical significance is uncertain.